The following is an entry in ClinVar:

ClinVar aggregate classification (germline): Uncertain significance. Review status: criteria provided, single submitter (1 of 4 stars). 2 submissions from 2 submitters: Uncertain significance (1). 1 of the submissions does not count toward it. Last evaluated 2025-04-28.

Conditions:
Dowling-Degos disease 4. Identifiers: Orphanet 79145, MedGen C3810313, MONDO:0014307, OMIM 615696.

Allele frequency attached by ClinVar (database versions not stated): TOPMed below 0.00001; ExAC 0.00001; gnomAD exomes 0.00001 and 0.00002.
gnomAD v4.1: 8 of 1,614,074 alleles (0.0005%); highest among the groups gnomAD compares: South Asian, 0.0033%; no homozygotes.

Submissions (2):

Labcorp Genetics (formerly Invitae), Labcorp
Classification: Uncertain significance. Last evaluated: 2025-04-28. Review status: criteria provided, single submitter. Criteria: Invitae Variant Classification Sherloc (09022015). Collection method: clinical testing. Allele origin: germline.
Comment: This sequence change replaces arginine, which is basic and polar, with tryptophan, which is neutral and slightly polar, at codon 279 of the POGLUT1 protein (p.Arg279Trp). This variant is present in population databases (rs587777297, gnomAD 0.006%). This missense change has been observed in individual(s) with Dowling-Degos disease (PMID: 24387993). ClinVar contains an entry for this variant (Variation ID: 126532). Invitae Evidence Modeling of protein sequence and biophysical properties (such as structural, functional, and spatial information, amino acid conservation, physicochemical variation, residue mobility, and thermodynamic stability) indicates that this missense variant is expected to disrupt POGLUT1 protein function with a positive predictive value of 80%. Experimental studies have shown that this missense change affects POGLUT1 function (PMID: 30414910). In summary, the available evidence is currently insufficient to determine the role of this variant in disease. Therefore, it has been classified as a Variant of Uncertain Significance.

OMIM
Classification: Pathogenic for DOWLING-DEGOS DISEASE 4. Last evaluated: 2014-01-02. Review status: no assertion criteria provided. Collection method: literature only. Allele origin: germline. Not counted in ClinVar's aggregate classification.

Literature cited by the submitters: PubMed 24387993 (cited by Labcorp Genetics (formerly Invitae), Labcorp and OMIM); PubMed 30414910 (cited by Labcorp Genetics (formerly Invitae), Labcorp).

NM_152305.3(POGLUT1):c.835C>T (p.Arg279Trp)

Gene: POGLUT1 (protein O-glucosyltransferase 1; plus strand). Cytogenetic location: 3q13.33.
Variant type: single nucleotide variant.
Coding change: c.835C>T on transcript NM_152305.3 (MANE Select); coding-DNA position 835, C replaced by T.
Protein change: p.Arg279Trp; replaces arginine 279 with tryptophan.
Molecular consequence: missense variant. On other transcripts: non-coding transcript variant (1).
Genome position (GRCh38, 1-based): chr3:119,490,588, C>T. VCF-style: chr3-119490588-C-T. GRCh37 (hg19) VCF-style: chr3-119209435-C-T.
Other names: short protein forms R279W.
Identifiers: ClinVar variation 126532 (VCV000126532.5), dbSNP rs587777297, ClinGen allele CA151194.